The following is an entry in ClinVar:

NM_002139.4(RBMX):c.1105C>T (p.Arg369Cys)

Genes: RBMX (RNA binding motif protein X-linked; minus strand), LOC126863330 (MED14-independent group 3 enhancer GRCh37_chrX:135956167-135957366; plus strand). Cytogenetic location: Xq26.3.
Variant type: single nucleotide variant.
Coding change: c.1105C>T on transcript NM_002139.4 (MANE Select); coding-DNA position 1105, C replaced by T.
Protein change: p.Arg369Cys; replaces arginine 369 with cysteine.
Molecular consequence: missense variant. On other transcripts: non-coding transcript variant (2), intron variant (1).
Genome position (GRCh38, 1-based): chrX:136,874,213, G>A on the plus strand (C>T on the coding strand, the complement: RBMX is on the minus strand). VCF-style: chrX-136874213-G-A. GRCh37 (hg19) VCF-style: chrX-135956372-G-A.
Other names: c.540+873C>T (NM_001164803.2); short protein forms R369C.
Identifiers: ClinVar variation 2346015 (VCV002346015.3), dbSNP rs376689167, ClinGen allele CA10528680.

ClinVar aggregate classification (germline): Uncertain significance. Review status: criteria provided, multiple submitters, no conflicts (2 of 4 stars). 2 submissions from 2 submitters: Uncertain significance (2). Last evaluated 2025-05-05.

Conditions:
Inborn genetic diseases. Identifiers: MedGen C0950123, MeSH D030342.

Allele frequency attached by ClinVar (database versions not stated): gnomAD exomes 0.00001; ExAC 0.00009; ESP Exome Variant Server 0.00009; gnomAD 0.00038; 1000 Genomes Project 30x 0.00062.
gnomAD v4.1: 51 of 1,211,927 alleles (0.0042%); highest among the groups gnomAD compares: African/African-American, 0.078%; no homozygotes.

Submissions (2):

Women's Health and Genetics/Laboratory Corporation of America, LabCorp
Classification: Uncertain significance. Last evaluated: 2025-05-05. Review status: criteria provided, single submitter. Criteria: LabCorp Variant Classification Summary - May 2015. Collection method: clinical testing. Allele origin: germline.
Comment: Variant summary: RBMX c.1105C>T (p.Arg369Cys) results in a non-conservative amino acid change in the encoded protein sequence. Algorithms developed to predict the effect of missense changes on protein structure and function are either unavailable or do not agree on the potential impact of this missense change. The variant allele was found at a frequency of 5.5e-06 in 183016 control chromosomes (gnomAD). The available data on variant occurrences in the general population are insufficient to allow any conclusion about variant significance. To our knowledge, no occurrence of c.1105C>T in individuals affected with Syndromic X-Linked Intellectual Disability Shashi Type and no experimental evidence demonstrating its impact on protein function have been reported. ClinVar contains an entry for this variant (Variation ID: 2346015). Based on the evidence outlined above, the variant was classified as uncertain significance.

Ambry Genetics
Classification: Uncertain significance for Inborn genetic diseases. Last evaluated: 2021-09-17. Review status: criteria provided, single submitter. Criteria: Ambry Variant Classification Scheme 2023. Collection method: clinical testing. Allele origin: germline.